The following is an entry in ClinVar:

NM_000228.3(LAMB3):c.2458_2459insTGTATAAGAGACA (p.Gly820fs)

Gene: LAMB3 (laminin subunit beta 3; minus strand). Cytogenetic location: 1q32.2.
Variant type: Insertion.
Coding change: c.2458_2459insTGTATAAGAGACA on transcript NM_000228.3 (MANE Select); coding-DNA positions 2458 to 2459, TGTATAAGAGACA inserted.
Protein change: p.Gly820fs; shifts the reading frame from glycine 820.
Molecular consequence: frameshift variant.
Genome position: GRCh38 VCF-style: chr1-209623079-C-CTGTCTCTTATACA. GRCh37 (hg19) VCF-style: chr1-209796424-C-CTGTCTCTTATACA.
Other names: c.2458_2459insTGTATAAGAGACA, p.Gly820fs (NM_001017402.2, NM_001127641.1); short protein forms G820fs.
Identifiers: ClinVar variation 5011261 (VCV005011261.1).

ClinVar aggregate classification (germline): Pathogenic (1 of 4 stars; one submission).

Conditions:
Junctional epidermolysis bullosa. Identifiers: Orphanet 305, MedGen C0079301, MONDO:0017612.

Submission:

Myriad Genetics, Inc.
Classification: Pathogenic for Junctional epidermolysis bullosa. Last evaluated: 2023-08-08. Review status: criteria provided, single submitter. Criteria: Myriad Autosomal Dominant, Autosomal Recessive and X-Linked Classification Criteria (2023). Collection method: clinical testing. Allele origin: unknown.
Comment: NM_000228.2(LAMB3):c.2458_2459ins13(G820Vfs*22) is expected to be pathogenic in the context of junctional epidermolysis bullosa, LAMB3-related. This variant is predicted to lead to an abnormal or absent protein product due to the creation of a premature termination codon in LAMB3, a gene where loss-of-function variants are known to be pathogenic. Please note: this variant was assessed in the context of healthy population screening.